The following is an entry in ClinVar:

ClinVar aggregate classification (germline): Uncertain significance (1 of 4 stars; one submission).

gnomAD v4.1: 2 of 1,614,054 alleles (0.00012%); highest among the groups gnomAD compares: Non-Finnish European, 0.00017%; no homozygotes.

Submission:

Women's Health and Genetics/Laboratory Corporation of America, LabCorp
Classification: Uncertain significance. Last evaluated: 2025-01-07. Review status: criteria provided, single submitter. Criteria: LabCorp Variant Classification Summary - May 2015. Collection method: clinical testing. Allele origin: germline.
Comment: Variant summary: LYST c.9674T>C (p.Met3225Thr) results in a non-conservative amino acid change in the encoded protein sequence. Four of five in-silico tools predict a damaging effect of the variant on protein function. The variant was absent in 251318 control chromosomes (gnomAD). The available data on variant occurrences in the general population are insufficient to allow any conclusion about variant significance. To our knowledge, no occurrence of c.9674T>C in individuals affected with Chediak-Higashi Syndrome and no experimental evidence demonstrating its impact on protein function have been reported. No submitters have cited clinical-significance assessments for this variant to ClinVar. Based on the evidence outlined above, the variant was classified as uncertain significance.

NM_000081.4(LYST):c.9674T>C (p.Met3225Thr)

Gene: LYST (lysosomal trafficking regulator; minus strand). Cytogenetic location: 1q42.3.
Variant type: single nucleotide variant.
Coding change: c.9674T>C on transcript NM_000081.4 (MANE Select); coding-DNA position 9674, T replaced by C.
Protein change: p.Met3225Thr; replaces methionine 3225 with threonine.
Molecular consequence: missense variant.
Genome position (GRCh38, 1-based): chr1:235,715,311, A>G on the plus strand (T>C on the coding strand, the complement: LYST is on the minus strand). VCF-style: chr1-235715311-A-G. GRCh37 (hg19) VCF-style: chr1-235878611-A-G.
Other names: c.9674T>C, p.Met3225Thr (NM_001301365.1); short protein forms M3225T.
Identifiers: ClinVar variation 3769242 (VCV003769242.2).